The following is an entry in ClinVar:

ClinVar aggregate classification (germline): Pathogenic (1 of 4 stars; one submission).

Conditions:
Imerslund-Grasbeck syndrome type 1 (IGS1). Also called: Megaloblastic anemia 1, Finnish type; MEGALOBLASTIC ANEMIA, 1; Imerslund-Gräsbeck syndrome 1. Identifiers: MedGen C4016819, MONDO:0100156, OMIM 261100.

Submission:

MVZ Medizinische Genetik Mainz
Classification: Pathogenic for Imerslund-Grasbeck syndrome type 1. Last evaluated: 2025-08-27. Review status: criteria provided, single submitter. Criteria: UK Practice Guidelines For Variant Classification V4 01 2020. Collection method: clinical testing. Allele origin: germline. Inheritance: Autosomal recessive inheritance. Affected: yes. Observed: 1 variant allele.
Comment: ACMG Criteria: PVS1,PM2_SUP,PP4

NM_001081.4(CUBN):c.8755+1G>C

Gene: CUBN (cubilin; minus strand). Cytogenetic location: 10p13.
Variant type: single nucleotide variant.
Coding change: c.8755+1G>C on transcript NM_001081.4 (MANE Select); the canonical splice donor site of the intron after coding-DNA position 8755, G replaced by C.
Molecular consequence: splice donor variant.
Genome position (GRCh38, 1-based): chr10:16,890,370, C>G on the plus strand (G>C on the coding strand, the complement: CUBN is on the minus strand). VCF-style: chr10-16890370-C-G. GRCh37 (hg19) VCF-style: chr10-16932369-C-G.
Identifiers: ClinVar variation 4277246 (VCV004277246.1).